The following is an entry in ClinVar:

ClinVar aggregate classification (germline): Conflicting classifications of pathogenicity. Review status: criteria provided, conflicting classifications (1 of 4 stars). 9 submissions from 9 submitters: Pathogenic (4); Likely pathogenic (3); Uncertain significance (1). 1 of the submissions does not count toward it. Last evaluated 2025-06-12.

Conditions:
TH-related disorders.
Inborn genetic diseases. Identifiers: MedGen C0950123, MeSH D030342.
TH-deficient dopa-responsive dystonia. Also called: DYT-TH; Segawa syndrome, autosomal recessive; Tyrosine Hydroxylase-Deficient Dopa-Responsive Dystonia. Identifiers: Orphanet 101150, MedGen C2673535, MONDO:0011551, OMIM 605407.

Allele frequency attached by ClinVar (database versions not stated): ExAC 0.00002; gnomAD 0.00002; TOPMed 0.00003; gnomAD exomes 0.00002 and 0.00004.
gnomAD v4.1: 27 of 1,545,554 alleles (0.0017%); highest among the groups gnomAD compares: Admixed American, 0.015%; no homozygotes.

Submissions (9):

Natera, Inc.
Classification: Pathogenic for Autosomal recessive Segawa syndrome. Last evaluated: 2025-06-12. Review status: criteria provided, single submitter. Criteria: Natera Variant Classification Schema (03/2026). Collection method: clinical testing. Allele origin: germline.
Comment: The c.1481C>T variant in TH is a missense variant predicted to cause substitution of threonine to methionine at amino acid 494. This variant is rare in the general population with a frequency below the threshold expected for the associated phenotype(s). This variant has been observed in one or more individuals affected with the associated recessive disease, as either homozygous or compound heterozygous with a second variant (PMID: 34054692, 29225908, 32185155, 38693247). This variant has been observed to segregate in affected family members (PMID: 32185155, 11246459). Computational prediction algorithms indicate this variant is likely to affect gene or protein function. Given the available evidence, this variant is classified as Pathogenic.

Fulgent Genetics
Classification: Likely pathogenic for TH-deficient dopa-responsive dystonia. Last evaluated: 2024-04-23. Review status: criteria provided, single submitter. Criteria: ACMG Guidelines, 2015. Collection method: clinical testing. Allele origin: germline.

Baylor Genetics
Classification: Likely pathogenic for TH-deficient dopa-responsive dystonia. Last evaluated: 2024-03-28. Review status: criteria provided, single submitter. Criteria: ACMG Guidelines, 2015. Collection method: clinical testing. Allele origin: unknown.

Labcorp Genetics (formerly Invitae), Labcorp
Classification: Pathogenic for TH-deficient dopa-responsive dystonia. Last evaluated: 2023-10-14. Review status: criteria provided, single submitter. Criteria: Invitae Variant Classification Sherloc (09022015). Collection method: clinical testing. Allele origin: germline.
Comment: This sequence change replaces threonine, which is neutral and polar, with methionine, which is neutral and non-polar, at codon 494 of the TH protein (p.Thr494Met). The frequency data for this variant in the population databases is considered unreliable, as metrics indicate poor data quality at this position in the gnomAD database. This missense change has been observed in individual(s) with clinical features of tyrosine hydroxylase deficiency (PMID: 11246459, 29225908; Invitae). In at least one individual the data is consistent with being in trans (on the opposite chromosome) from a pathogenic variant. It has also been observed to segregate with disease in related individuals. This variant is also known as T463M. ClinVar contains an entry for this variant (Variation ID: 12326). Advanced modeling of protein sequence and biophysical properties (such as structural, functional, and spatial information, amino acid conservation, physicochemical variation, residue mobility, and thermodynamic stability) has been performed at Invitae for this missense variant, however the output from this modeling did not meet the statistical confidence thresholds required to predict the impact of this variant on TH protein function. Experimental studies have shown that this missense change affects TH function (PMID: 15468323). For these reasons, this variant has been classified as Pathogenic.

Blueprint Genetics
Classification: Pathogenic for TH-related disorders. Last evaluated: 2022-12-13. Review status: criteria provided, single submitter. Criteria: ACMG Guidelines, 2015. Collection method: clinical testing. Allele origin: germline. Affected: yes. Observed: 5 variant alleles.

Ambry Genetics
Classification: Uncertain significance for Inborn genetic diseases. Last evaluated: 2018-01-19. Review status: criteria provided, single submitter. Criteria: Ambry exome assertion method (8-5-2015). Collection method: clinical testing. Allele origin: germline. Affected: yes. Observed: 1 variant allele.

3billion
Classification: Pathogenic for TH-deficient dopa-responsive dystonia. Review status: criteria provided, single submitter. Criteria: ACMG Guidelines, 2015. Collection method: clinical testing. Allele origin: unknown. Affected: yes. Observed: 1 heterozygote.
Comment: The variant is observed at an extremely low frequency in the gnomAD v2.1.1 dataset (total allele frequency: 0.004%). Functional studies provide strong evidence of the variant having a damaging effect on the gene or gene product (PMID: 15468323). In silico tool predictions suggest damaging effect of the variant on gene or gene product (REVEL: 0.94; 3Cnet: 0.52). Same nucleotide change resulting in same amino acid change has been previously reported as pathogenic/likely pathogenic with strong evidence (ClinVar ID: VCV000012326 / PMID: 11246459). The variant was reported homozygous in an affected patient (PMID: 29225908). Therefore, this variant is classified as Pathogenic according to the recommendation of ACMG/AMP guideline.

Juno Genomics, Hangzhou Juno Genomics, Inc
Classification: Likely pathogenic for TH-deficient dopa-responsive dystonia. Review status: criteria provided, single submitter. Criteria: ACMG Guidelines, 2015. Collection method: clinical testing. Allele origin: germline.
Comment: Absent from controls (or at extremely low frequency if recessive) in Genome Aggregation Database.;Multiple lines of computational evidence support a deleterious effect on the gene or gene product.;For recessive disorders, detected in trans with a pathogenic variant.;Patient's phenotype or family history is highly specific for a disease with a single genetic etiology.

OMIM
Classification: Pathogenic for SEGAWA SYNDROME, AUTOSOMAL RECESSIVE. Last evaluated: 2000-01-01. Review status: no assertion criteria provided. Collection method: literature only. Allele origin: germline. Not counted in ClinVar's aggregate classification.

Literature cited by the submitters: PubMed 34054692 (cited by Natera, Inc.); PubMed 29225908 (cited by Natera, Inc. and Labcorp Genetics (formerly Invitae), Labcorp); PubMed 32185155 (cited by Natera, Inc.); PubMed 38693247 (cited by Natera, Inc.); PubMed 11246459 (cited by 4 submitters); PubMed 15468323 (cited by Labcorp Genetics (formerly Invitae), Labcorp and 3billion).

NM_000360.4(TH):c.1388C>T (p.Thr463Met)

Gene: TH (tyrosine hydroxylase; minus strand). Cytogenetic location: 11p15.5.
Variant type: single nucleotide variant.
Coding change: c.1388C>T on transcript NM_000360.4 (MANE Select); coding-DNA position 1388, C replaced by T.
Protein change: p.Thr463Met; replaces threonine 463 with methionine.
Molecular consequence: missense variant.
Genome position (GRCh38, 1-based): chr11:2,164,339, G>A on the plus strand (C>T on the coding strand, the complement: TH is on the minus strand). VCF-style: chr11-2164339-G-A. GRCh37 (hg19) VCF-style: chr11-2185569-G-A.
Other names: c.1481C>T, p.Thr494Met (NM_199292.3); c.1469C>T, p.Thr490Met (NM_199293.3); short protein forms T494M, T463M, T490M.
Identifiers: ClinVar variation 12326 (VCV000012326.17), dbSNP rs45471299, ClinGen allele CA278130.